The following is an entry in ClinVar:

NM_144772.3(NAXE):c.848G>T (p.Cys283Phe)

Gene: NAXE (NAD(P)HX epimerase; plus strand). Cytogenetic location: 1q22.
Variant type: single nucleotide variant.
Coding change: c.848G>T on transcript NM_144772.3 (MANE Select); coding-DNA position 848, G replaced by T.
Protein change: p.Cys283Phe; replaces cysteine 283 with phenylalanine.
Molecular consequence: missense variant.
Genome position (GRCh38, 1-based): chr1:156,594,065, G>T. VCF-style: chr1-156594065-G-T. GRCh37 (hg19) VCF-style: chr1-156563857-G-T.
Other names: short protein forms C283F.
Identifiers: ClinVar variation 1904600 (VCV001904600.5), dbSNP rs779609725, ClinGen allele CA1162939.
Genomic context (GRCh38, chr1:156,594,065, plus strand): 5'-TGCCACCTGCTCTGGAGAAGAAGTACCAGCTGAACCTGCCACCCTACCCTGACACCGAGT[G>T]TGTCTATCGTCTGCAGTGAGGGAAGGTGGGTGGGTATTCTTCCCAATAAAGACTTAGAGC-3'
Protein context (NP_658985.2, residues 273-288): LNLPPYPDTE[Cys283Phe]VYRLQ

ClinVar aggregate classification (germline): Uncertain significance (1 of 4 stars; one submission).

Allele frequency attached by ClinVar (database versions not stated): TOPMed 0.00001; ExAC 0.00002; gnomAD 0.00003.
gnomAD v4.1: 17 of 1,613,924 alleles (0.0011%); highest among the groups gnomAD compares: Non-Finnish European, 0.0014%; no homozygotes.

Submission:

Labcorp Genetics (formerly Invitae), Labcorp
Classification: Uncertain significance. Last evaluated: 2026-01-19. Review status: criteria provided, single submitter. Criteria: Invitae Variant Classification Sherloc (09022015). Collection method: clinical testing. Allele origin: germline.
Comment: This sequence change replaces cysteine, which is neutral and slightly polar, with phenylalanine, which is neutral and non-polar, at codon 283 of the NAXE protein (p.Cys283Phe). This variant is present in population databases (rs779609725, gnomAD 0.002%). This variant has not been reported in the literature in individuals affected with NAXE-related conditions. ClinVar contains an entry for this variant (Variation ID: 1904600). An algorithm developed to predict the effect of missense changes on protein structure and function (PolyPhen-2) suggests that this variant is likely to be tolerated. In summary, the available evidence is currently insufficient to determine the role of this variant in disease. Therefore, it has been classified as a Variant of Uncertain Significance.